The following is an entry in ClinVar:

NM_000553.6(WRN):c.2600_2601delinsGT (p.Leu867Arg)

Gene: WRN (WRN RecQ like helicase; plus strand). Cytogenetic location: 8p12.
Variant type: Indel.
Coding change: c.2600_2601delinsGT on transcript NM_000553.6 (MANE Select); coding-DNA positions 2600 to 2601, TC replaced by GT.
Protein change: p.Leu867Arg; replaces leucine 867 with arginine.
Molecular consequence: missense variant.
Genome position (GRCh38, 1-based): chr8:31,120,394-31,120,395, TC replaced by GT. VCF-style: chr8-31120394-TC-GT. GRCh37 (hg19) VCF-style: chr8-30977910-TC-GT.
Other names: short protein forms L867R.
Identifiers: ClinVar variation 1970498 (VCV001970498.5), dbSNP rs2535986860, ClinGen allele CA2580078160.

ClinVar aggregate classification (germline): Uncertain significance (1 of 4 stars; one submission).

Conditions:
Werner syndrome (WRN). Identifiers: Orphanet 902, MedGen C0043119, MONDO:0010196, OMIM 277700.

Submission:

Labcorp Genetics (formerly Invitae), Labcorp
Classification: Uncertain significance for Werner syndrome. Last evaluated: 2022-07-29. Review status: criteria provided, single submitter. Criteria: Invitae Variant Classification Sherloc (09022015). Collection method: clinical testing. Allele origin: germline.
Comment: In summary, the available evidence is currently insufficient to determine the role of this variant in disease. Therefore, it has been classified as a Variant of Uncertain Significance. This sequence change replaces leucine, which is neutral and non-polar, with arginine, which is basic and polar, at codon 867 of the WRN protein (p.Leu867Arg). Information on the frequency of this variant in the gnomAD database is not available, as this variant may be reported differently in the database. This variant has not been reported in the literature in individuals affected with WRN-related conditions. Algorithms developed to predict the effect of missense changes on protein structure and function are either unavailable or do not agree on the potential impact of this missense change (SIFT: "Not Available"; PolyPhen-2: "Probably Damaging"; Align-GVGD: "Not Available").